The following is an entry in ClinVar:

ClinVar aggregate classification (germline): Pathogenic (1 of 4 stars; one submission).

Conditions:
Charcot-Marie-Tooth disease type 4. Also called: Charcot-Marie-Tooth disease, type IV; Charcot-Marie-Tooth, Type 4. Identifiers: Orphanet 64749, MedGen C4082197, MONDO:0018995.

Allele frequency attached by ClinVar (database versions not stated): gnomAD exomes below 0.00001.
gnomAD v4.1: 1 of 1,614,168 alleles (0.000062%); highest among the groups gnomAD compares: Non-Finnish European, 0.000085%; no homozygotes.

Submission:

Labcorp Genetics (formerly Invitae), Labcorp
Classification: Pathogenic for Charcot-Marie-Tooth disease type 4. Last evaluated: 2022-11-25. Review status: criteria provided, single submitter. Criteria: Invitae Variant Classification Sherloc (09022015). Collection method: clinical testing. Allele origin: germline.
Comment: For these reasons, this variant has been classified as Pathogenic. This variant has not been reported in the literature in individuals affected with NDRG1-related conditions. This variant is not present in population databases (gnomAD no frequency). This sequence change creates a premature translational stop signal (p.Trp175*) in the NDRG1 gene. It is expected to result in an absent or disrupted protein product. Loss-of-function variants in NDRG1 are known to be pathogenic (PMID: 12872253, 23996628).

Literature cited by the submitters: PubMed 12872253; PubMed 23996628.

NM_006096.4(NDRG1):c.525G>A (p.Trp175Ter)

Gene: NDRG1 (N-myc downstream regulated 1; minus strand). Cytogenetic location: 8q24.22.
Variant type: single nucleotide variant.
Coding change: c.525G>A on transcript NM_006096.4 (MANE Select); coding-DNA position 525, G replaced by A.
Protein change: p.Trp175Ter; replaces tryptophan 175 with a stop codon.
Molecular consequence: nonsense.
Genome position (GRCh38, 1-based): chr8:133,256,789, C>T on the plus strand (G>A on the coding strand, the complement: NDRG1 is on the minus strand). VCF-style: chr8-133256789-C-T. GRCh37 (hg19) VCF-style: chr8-134269032-C-T.
Other names: c.327G>A, p.Trp109Ter (NM_001374847.1, NM_001258432.2); c.525G>A, p.Trp175Ter (NM_001135242.2, NM_001374844.1, NM_001374845.1 and 1 more transcripts); c.282G>A, p.Trp94Ter (NM_001258433.2); short protein forms W109*, W175*, W94*.
Identifiers: ClinVar variation 2816736 (VCV002816736.3), dbSNP rs2538050102, ClinGen allele CA372255674.